The following is an entry in ClinVar:

ClinVar aggregate classification (germline): Benign/Likely benign. Review status: criteria provided, multiple submitters, no conflicts (2 of 4 stars). 2 submissions from 2 submitters: Benign (1); Likely benign (1). Last evaluated 2025-11-15.

Allele frequency attached by ClinVar (database versions not stated): gnomAD below 0.00001 and 0.00001; ExAC 0.00004; gnomAD exomes 0.00004.
gnomAD v4.1: 41 of 1,613,666 alleles (0.0025%); highest among the groups gnomAD compares: South Asian, 0.043%; no homozygotes.

Submissions (2):

Labcorp Genetics (formerly Invitae), Labcorp
Classification: Benign. Last evaluated: 2025-11-15. Review status: criteria provided, single submitter. Criteria: Invitae Variant Classification Sherloc (09022015). Collection method: clinical testing. Allele origin: germline.

GeneDx
Classification: Likely benign. Last evaluated: 2018-03-02. Review status: criteria provided, single submitter. Criteria: GeneDx Variant Classification (06012015). Collection method: clinical testing. Allele origin: germline. Affected: yes.
Comment: This variant is considered likely benign or benign based on one or more of the following criteria: it is a conservative change, it occurs at a poorly conserved position in the protein, it is predicted to be benign by multiple in silico algorithms, and/or has population frequency not consistent with disease.

NM_001854.4(COL11A1):c.828A>T (p.Ala276=)

Gene: COL11A1 (collagen type XI alpha 1 chain; minus strand). Cytogenetic location: 1p21.1.
Variant type: single nucleotide variant.
Coding change: c.828A>T on transcript NM_001854.4 (MANE Select); coding-DNA position 828, A replaced by T.
Protein change: p.Ala276=; no amino-acid change (alanine 276 retained).
Molecular consequence: synonymous variant. On other transcripts: non-coding transcript variant (1), intron variant (2).
Genome position (GRCh38, 1-based): chr1:103,026,285, T>A on the plus strand (A>T on the coding strand, the complement: COL11A1 is on the minus strand). VCF-style: chr1-103026285-T-A. GRCh37 (hg19) VCF-style: chr1-103491841-T-A.
Other names: c.828A>T, p.Ala276= (NM_080630.4); c.781-672A>T (NM_001190709.2); c.781-333A>T (NM_080629.3).
Identifiers: ClinVar variation 515814 (VCV000515814.2), dbSNP rs764926559, ClinGen allele CA975296.